The following is an entry in ClinVar:

ClinVar aggregate classification (germline): Pathogenic (1 of 4 stars; one submission).

Conditions:
Wiedemann-Steiner syndrome (WDSTS). Also called: Growth deficiency and mental retardation with facial dysmorphism. Identifiers: Orphanet 319182, MedGen C1854630, MONDO:0011518, OMIM 605130.

Submission:

Greenwood Genetic Center Diagnostic Laboratories, Greenwood Genetic Center
Classification: Pathogenic for Wiedemann-Steiner syndrome. Last evaluated: 2023-06-23. Review status: criteria provided, single submitter. Criteria: ACMG Guidelines, 2015. Collection method: clinical testing. Allele origin: germline. Affected: yes.
Comment: PVS1, PS2, PM2

NM_001197104.2(KMT2A):c.9326_9330del (p.Ser3109fs)

Gene: KMT2A (lysine methyltransferase 2A; plus strand). Cytogenetic location: 11q23.3.
Variant type: Deletion.
Coding change: c.9326_9330del on transcript NM_001197104.2 (MANE Select); coding-DNA positions 9326 to 9330, 5 bases deleted (CTTCT; older notation c.9326_9330delCTTCT).
Protein change: p.Ser3109fs; shifts the reading frame from serine 3109.
Molecular consequence: frameshift variant.
Genome position (GRCh38, 1-based): chr11:118,505,218-118,505,222, CTTCT deleted; deleting any 5 consecutive bases within chr11:118,505,216-118,505,222 gives the same sequence; the c. name uses the placement nearest the transcript's 3' end. VCF-style (leftmost placement, unchanged base first): chr11-118505215-CCTCTT-C. GRCh37 (hg19) VCF-style: chr11-118375930-CCTCTT-C.
Other names: c.9326_9330delCTTCT, p.Ser3109Cysfs (NM_001197104.1); c.9416_9420del, p.Ser3139fs (NM_001412597.1); c.9317_9321del, p.Ser3106fs (NM_005933.4); short protein forms S3106fs, S3109fs, S3139fs.
Identifiers: ClinVar variation 2572289 (VCV002572289.1), dbSNP rs2497017763, ClinGen allele CA2580615087.